The following is an entry in ClinVar:

ClinVar aggregate classification (germline): Uncertain significance (1 of 4 stars; one submission).

Allele frequency attached by ClinVar (database versions not stated): gnomAD exomes below 0.00001; ExAC 0.00001.
gnomAD v4.1: 2 of 1,614,122 alleles (0.00012%); highest among the groups gnomAD compares: South Asian, 0.0022%; no homozygotes.

Submission:

Centre of Medical Genetics, University Hospital Muenster
Classification: Uncertain significance. Last evaluated: 2023-01-17. Review status: criteria provided, single submitter. Criteria: ACMG Guidelines, 2015. Collection method: clinical testing. Allele origin: unknown. Affected: yes. Observed: 1 variant allele, 1 heterozygote.
Comment: ACMG categories: PM2

NM_006565.4(CTCF):c.437G>A (p.Gly146Asp)

Gene: CTCF (CCCTC-binding factor; plus strand). Cytogenetic location: 16q22.1.
Variant type: single nucleotide variant.
Coding change: c.437G>A on transcript NM_006565.4 (MANE Select); coding-DNA position 437, G replaced by A.
Protein change: p.Gly146Asp; replaces glycine 146 with aspartic acid.
Molecular consequence: missense variant. On other transcripts: intron variant (1).
Genome position (GRCh38, 1-based): chr16:67,611,269, G>A. VCF-style: chr16-67611269-G-A. GRCh37 (hg19) VCF-style: chr16-67645172-G-A.
Other names: c.437G>A, p.Gly146Asp (NM_001363916.2); c.-32-5476G>A (NM_001191022.2); short protein forms G146D.
Identifiers: ClinVar variation 2430367 (VCV002430367.2), dbSNP rs748162324, ClinGen allele CA8112520.
Genomic context (GRCh38, chr16:67,611,269, plus strand): 5'-TTGCTACCACTTCAGTAGAAGAACTTCAGGGGGCTTATGAAAATGAAGTGTCTAAAGAGG[G>A]CCTTGCGGAAAGTGAACCCATGATATGCCACACCCTACCTTTGCCTGAAGGGTTTCAGGT-3'
Protein context (NP_006556.1, residues 136-156): GAYENEVSKE[Gly146Asp]LAESEPMICH